The following is an entry in ClinVar:

ClinVar aggregate classification (germline): Uncertain significance (1 of 4 stars; one submission).

Submission:

Labcorp Genetics (formerly Invitae), Labcorp
Classification: Uncertain significance. Last evaluated: 2026-01-18. Review status: criteria provided, single submitter. Criteria: Invitae Variant Classification Sherloc (09022015). Collection method: clinical testing. Allele origin: germline.
Comment: This sequence change replaces glutamic acid, which is acidic and polar, with methionine, which is neutral and non-polar, at codon 300 of the TNFAIP3 protein (p.Glu300Met). This variant is present in population databases (no rsID available, gnomAD 0.007%). This variant has not been reported in the literature in individuals affected with TNFAIP3-related conditions. This missense change has been observed in at least one individual who was not affected with TNFAIP3-related conditions (internal data). ClinVar contains an entry for this variant (Variation ID: 3015302). An algorithm developed to predict the effect of missense changes on protein structure and function (PolyPhen-2) suggests that this variant is likely to be tolerated. In summary, the available evidence is currently insufficient to determine the role of this variant in disease. Therefore, it has been classified as a Variant of Uncertain Significance.

NM_001270508.2(TNFAIP3):c.898_899delinsAT (p.Glu300Met)

Gene: TNFAIP3 (TNF alpha induced protein 3; plus strand). Cytogenetic location: 6q23.3.
Variant type: Indel.
Coding change: c.898_899delinsAT on transcript NM_001270508.2 (MANE Select); coding-DNA positions 898 to 899, GA replaced by AT.
Protein change: p.Glu300Met; replaces glutamic acid 300 with methionine.
Molecular consequence: missense variant.
Genome position (GRCh38, 1-based): chr6:137,877,168-137,877,169, GA replaced by AT. VCF-style: chr6-137877168-GA-AT. GRCh37 (hg19) VCF-style: chr6-138198305-GA-AT.
Other names: c.898_899delinsAT, p.Glu300Met (NM_001270507.2, NM_006290.4); short protein forms E300M.
Identifiers: ClinVar variation 3015302 (VCV003015302.3), dbSNP rs2482743024, ClinGen allele CA2740091502.
Genomic context (GRCh38, chr6:137,877,168, plus strand): 5'-CGGGGAAGATTTGAAGACTTAAAAGTTCACTTTTTGACAGATCCTGAAAATGAGATGAAG[GA>AT]GAAGCTCTTAAAAGAGTACTTAATGGTGATAGAAATCCCCGTCCAAGGCTGGGACCATGG-3'
Protein context (NP_001257437.1, residues 290-310): FLTDPENEMK[Glu300Met]KLLKEYLMVI